The following is an entry in ClinVar:

NM_001849.4(COL6A2):c.2875G>C (p.Glu959Gln)

Gene: COL6A2 (collagen type VI alpha 2 chain; plus strand). Cytogenetic location: 21q22.3.
Variant type: single nucleotide variant.
Coding change: c.2875G>C on transcript NM_001849.4 (MANE Select); coding-DNA position 2875, G replaced by C.
Protein change: p.Glu959Gln; replaces glutamic acid 959 with glutamine.
Molecular consequence: missense variant.
Genome position (GRCh38, 1-based): chr21:46,132,367, G>C. VCF-style: chr21-46132367-G-C. GRCh37 (hg19) VCF-style: chr21-47552281-G-C.
Other names: short protein forms E959Q.
Identifiers: ClinVar variation 288392 (VCV000288392.17), dbSNP rs150168522, ClinGen allele CA10073071.

ClinVar aggregate classification (germline): Conflicting classifications of pathogenicity. Review status: criteria provided, conflicting classifications (1 of 4 stars). 4 submissions from 4 submitters: Uncertain significance (3); Likely benign (1). Last evaluated 2025-10-02.

Conditions:
Bethlem myopathy 1A. Also called: Bethlem Muscular Dystrophy; MYOPATHY, BENIGN CONGENITAL, WITH CONTRACTURES; Bethlem myopathy 1. Identifiers: Orphanet 610, MedGen CN029274, MONDO:0024530, OMIM 158810.

Allele frequency attached by ClinVar (database versions not stated): TOPMed 0.00002; ESP Exome Variant Server 0.00015.
gnomAD v4.1: 73 of 1,608,992 alleles (0.0045%); highest among the groups gnomAD compares: Non-Finnish European, 0.0057%; no homozygotes.

Submissions (4):

Labcorp Genetics (formerly Invitae), Labcorp
Classification: Likely benign for Bethlem myopathy 1A. Last evaluated: 2025-10-02. Review status: criteria provided, single submitter. Criteria: Invitae Variant Classification Sherloc (09022015). Collection method: clinical testing. Allele origin: germline.

Women's Health and Genetics/Laboratory Corporation of America, LabCorp
Classification: Uncertain significance. Last evaluated: 2025-07-16. Review status: criteria provided, single submitter. Criteria: LabCorp Variant Classification Summary - May 2015. Collection method: clinical testing. Allele origin: germline.
Comment: Variant summary: COL6A2 c.2875G>C (p.Glu959Gln) results in a conservative amino acid change in the encoded protein sequence. Algorithms developed to predict the effect of missense changes on protein structure and function are either unavailable or do not agree on the potential impact of this missense change. The variant allele was found at a frequency of 2.9e-05 in 244904 control chromosomes. The available data on variant occurrences in the general population are insufficient to allow any conclusion about variant significance. c.2875G>C has been observed in at least one heterozygous individual affected with Limb Girdle Muscular Dystrophy type 1A (e.g. Nallamilli_2018). These report(s) do not provide unequivocal conclusions about association of the variant with Ullrich congenital muscular dystrophy 1-AR. To our knowledge, no experimental evidence demonstrating an impact on protein function has been reported. The following publication has been ascertained in the context of this evaluation (PMID: 30564623). ClinVar contains an entry for this variant (Variation ID: 288392). Based on the evidence outlined above, the variant was classified as uncertain significance.

Revvity Omics, Revvity
Classification: Uncertain significance. Last evaluated: 2024-03-07. Review status: criteria provided, single submitter. Criteria: ACMG Guidelines, 2015. Collection method: clinical testing. Allele origin: germline.

Eurofins Ntd Llc (ga)
Classification: Uncertain significance. Last evaluated: 2018-05-21. Review status: criteria provided, single submitter. Criteria: EGL ClinVar v180209 classification definitions. Collection method: clinical testing. Allele origin: germline. Observed: 3 variant alleles, 3 heterozygotes.

Literature cited by the submitters: PubMed 30564623 (cited by Women's Health and Genetics/Laboratory Corporation of America, LabCorp).